The following is an entry in ClinVar:

ClinVar aggregate classification (germline): Pathogenic/Likely pathogenic. Review status: criteria provided, multiple submitters, no conflicts (2 of 4 stars). 3 submissions from 3 submitters: Pathogenic (2); Likely pathogenic (1). Last evaluated 2024-01-24.

Conditions:
FMO3-related disorders.
Trimethylaminuria (TMAU). Also called: FISH-ODOR SYNDROME; Fish malodor syndrome; Stale fish syndrome; TMAuria; Primary Trimethylaminuria. Identifiers: MedGen C0342739, MONDO:0011182, OMIM 602079, HP:0003614. Disease mechanism: loss of function.

Submissions (3):

Labcorp Genetics (formerly Invitae), Labcorp
Classification: Pathogenic. Last evaluated: 2024-01-24. Review status: criteria provided, single submitter. Criteria: Invitae Variant Classification Sherloc (09022015). Collection method: clinical testing. Allele origin: germline.
Comment: This sequence change creates a premature translational stop signal (Splice site) in the FMO3 gene. While this is not anticipated to result in nonsense mediated decay, it is expected to disrupt the last 138 amino acid(s) of the FMO3 protein. This variant is present in population databases (rs754992629, gnomAD 0.01%). This premature translational stop signal has been observed in individual(s) with trimethylaminuria (PMID: 16600650). This variant is also known as c.1183+1del and c.1182del. This variant disrupts a region of the FMO3 protein in which other variant(s) (p.Arg500*) have been determined to be pathogenic (PMID: 16858129, 16996766). This suggests that this is a clinically significant region of the protein, and that variants that disrupt it are likely to be disease-causing. For these reasons, this variant has been classified as Pathogenic.

Blueprint Genetics
Classification: Likely pathogenic for FMO3-related disorders. Last evaluated: 2023-06-08. Review status: criteria provided, single submitter. Criteria: ACMG Guidelines, 2015. Collection method: clinical testing. Allele origin: germline. Affected: yes. Observed: 2 variant alleles.

Kariminejad - Najmabadi Pathology & Genetics Center
Classification: Pathogenic for Trimethylaminuria. Review status: criteria provided, single submitter. Criteria: ACMG Guidelines, 2015. Collection method: clinical testing. Allele origin: germline. Affected: no.

Literature cited by the submitters: PubMed 16600650 (cited by Labcorp Genetics (formerly Invitae), Labcorp); PubMed 16858129 (cited by Labcorp Genetics (formerly Invitae), Labcorp); PubMed 16996766 (cited by Labcorp Genetics (formerly Invitae), Labcorp).

NM_001002294.3(FMO3):c.1183+1del

Gene: FMO3 (flavin containing dimethylaniline monoxygenase 3; plus strand). Cytogenetic location: 1q24.3.
Variant type: Deletion.
Coding change: c.1183+1del on transcript NM_001002294.3 (MANE Select); the canonical splice donor site of the intron after coding-DNA position 1183, one base deleted (G; older notation c.1183+1delG).
Molecular consequence: splice donor variant.
Genome position (GRCh38, 1-based): chr1:171,114,363, G deleted; the last of 3 consecutive G bases (chr1:171,114,361-171,114,363); deleting any one gives the same sequence. VCF-style (leftmost placement, unchanged base first): chr1-171114360-AG-A. GRCh37 (hg19) VCF-style: chr1-171083500-AG-A.
Other names: c.994+1del (NM_001319174.2); c.1123+1del (NM_001319173.2); c.1183+1del (NM_006894.6).
Identifiers: ClinVar variation 2734032 (VCV002734032.5), dbSNP rs754992629, ClinGen allele CA1240742.